The following is an entry in ClinVar:

ClinVar aggregate classification (germline): Uncertain significance (1 of 4 stars; one submission).

Conditions:
Achondrogenesis, type IB (ACG1B). Also called: Achondrogenesis Type 1B. Identifiers: Orphanet 932, Orphanet 93298, MedGen C0265274, MONDO:0010966, OMIM 600972.
Multiple epiphyseal dysplasia type 4 (EDM4). Also called: SLC26A2-Related Multiple Epiphyseal Dysplasia; Multiple Epiphyseal Dysplasia, Recessive; MULTIPLE EPIPHYSEAL DYSPLASIA WITH BILAYERED PATELLAE; MULTIPLE EPIPHYSEAL DYSPLASIA WITH CLUBFOOT; MULTIPLE EPIPHYSEAL DYSPLASIA, AUTOSOMAL RECESSIVE. Identifiers: Orphanet 93307, MedGen C1847593, MONDO:0009189, OMIM 226900.
Atelosteogenesis type II (AO2). Also called: Neonatal osseous dysplasia 1; SLC26A2-Related Atelosteogenesis; NEONATAL OSSEOUS DYSPLASIA I. Identifiers: Orphanet 56304, MedGen C1850554, MONDO:0009727, OMIM 256050.
Diastrophic dysplasia (DTD). Also called: Diastrophic dwarfism. Identifiers: Orphanet 628, MedGen C0220726, MONDO:0009107, OMIM 222600.

gnomAD v4.1: 1 of 1,604,690 alleles (0.000062%); highest among the groups gnomAD compares: Admixed American, 0.0017%; no homozygotes.

Submission:

Labcorp Genetics (formerly Invitae), Labcorp
Classification: Uncertain significance for Atelosteogenesis type II; Multiple epiphyseal dysplasia type 4; Achondrogenesis, type IB; Diastrophic dysplasia. Last evaluated: 2022-07-07. Review status: criteria provided, single submitter. Criteria: Invitae Variant Classification Sherloc (09022015). Collection method: clinical testing. Allele origin: germline.
Comment: This sequence change replaces serine, which is neutral and polar, with threonine, which is neutral and polar, at codon 157 of the SLC26A2 protein (p.Ser157Thr). This variant is not present in population databases (gnomAD no frequency). This variant has not been reported in the literature in individuals affected with SLC26A2-related conditions. Advanced modeling of protein sequence and biophysical properties (such as structural, functional, and spatial information, amino acid conservation, physicochemical variation, residue mobility, and thermodynamic stability) performed at Invitae indicates that this missense variant is expected to disrupt SLC26A2 protein function. In summary, the available evidence is currently insufficient to determine the role of this variant in disease. Therefore, it has been classified as a Variant of Uncertain Significance.

NM_000112.4(SLC26A2):c.469T>A (p.Ser157Thr)

Gene: SLC26A2 (solute carrier family 26 member 2; plus strand). Cytogenetic location: 5q32.
Variant type: single nucleotide variant.
Coding change: c.469T>A on transcript NM_000112.4 (MANE Select); coding-DNA position 469, T replaced by A.
Protein change: p.Ser157Thr; replaces serine 157 with threonine.
Molecular consequence: missense variant.
Genome position (GRCh38, 1-based): chr5:149,978,121, T>A. VCF-style: chr5-149978121-T-A. GRCh37 (hg19) VCF-style: chr5-149357684-T-A.
Other names: short protein forms S157T.
Identifiers: ClinVar variation 2136342 (VCV002136342.4), dbSNP rs776787689, ClinGen allele CA361705059.
Genomic context (GRCh38, chr5:149,978,121, plus strand): 5'-CCTGTCTATGGTCTGTACACATCTTTTTTTGCCAGCATCATTTATTTTCTCTTGGGTACC[T>A]CCCGTCACATCTCTGTGGGCATTTTTGGAGTACTGTGCCTTATGATTGGTGAGACAGTTG-3'
Protein context (NP_000103.2, residues 147-167): ASIIYFLLGT[Ser157Thr]RHISVGIFGV